The following is an entry in ClinVar:

ClinVar aggregate classification (germline): Pathogenic/Likely pathogenic. Review status: criteria provided, multiple submitters, no conflicts (2 of 4 stars). 8 submissions from 8 submitters: Pathogenic (6); Likely pathogenic (1). 1 of the submissions does not count toward it. Last evaluated 2025-08-27.

Conditions:
KMT2A-related disorder. Also called: KMT2A-related condition.
Wiedemann-Steiner syndrome (WDSTS). Also called: Growth deficiency and mental retardation with facial dysmorphism. Identifiers: Orphanet 319182, MedGen C1854630, MONDO:0011518, OMIM 605130.

Submissions (8):

Institute of Human Genetics, University of Leipzig Medical Center
Classification: Pathogenic for Wiedemann-Steiner syndrome. Last evaluated: 2025-08-27. Review status: criteria provided, single submitter. Criteria: ACMG Guidelines, 2015. Collection method: clinical testing. Allele origin: unknown. Inheritance: Autosomal dominant inheritance. Affected: yes.
Comment: Criteria applied: PVS1,PS4_MOD,PM2,PS2

GeneDx
Classification: Pathogenic. Last evaluated: 2025-03-25. Review status: criteria provided, single submitter. Criteria: GeneDx Variant Classification Process June 2021. Collection method: clinical testing. Allele origin: germline. Affected: yes.
Comment: Nonsense variant predicted to result in protein truncation or nonsense mediated decay in a gene for which loss of function is a known mechanism of disease; Not observed at significant frequency in large population cohorts (gnomAD); This variant is associated with the following publications: (PMID: 29574747, 35904121, 35163737, 37501076)

Baylor Genetics
Classification: Pathogenic for Wiedemann-Steiner syndrome. Last evaluated: 2024-03-09. Review status: criteria provided, single submitter. Criteria: ACMG Guidelines, 2015. Collection method: clinical testing. Allele origin: unknown.

Labcorp Genetics (formerly Invitae), Labcorp
Classification: Pathogenic. Last evaluated: 2023-12-11. Review status: criteria provided, single submitter. Criteria: Invitae Variant Classification Sherloc (09022015). Collection method: clinical testing. Allele origin: germline.
Comment: This sequence change creates a premature translational stop signal (p.Arg160*) in the KMT2A gene. It is expected to result in an absent or disrupted protein product. Loss-of-function variants in KMT2A are known to be pathogenic (PMID: 22795537, 25810209, 29574747). This variant is not present in population databases (gnomAD no frequency). This premature translational stop signal has been observed in individual(s) with Wiedemann-Steiner syndrome (PMID: 29574747). ClinVar contains an entry for this variant (Variation ID: 504304). For these reasons, this variant has been classified as Pathogenic.

Blueprint Genetics
Classification: Pathogenic for KMT2A-related disorders. Last evaluated: 2020-11-17. Review status: criteria provided, single submitter. Criteria: ACMG Guidelines, 2015. Collection method: clinical testing. Allele origin: de novo. Affected: yes. Observed: 1 variant allele.

CeGaT Center for Human Genetics Tuebingen
Classification: Likely pathogenic. Last evaluated: 2018-06-01. Review status: criteria provided, single submitter. Criteria: CeGaT Center For Human Genetics Tuebingen Variant Classification Criteria Version 2. Collection method: clinical testing. Allele origin: germline. Affected: yes. Observed: 2 variant alleles.

Centre de Biologie Pathologie Génétique, Centre Hospitalier Universitaire de Lille
Classification: Pathogenic for Wiedemann-Steiner syndrome. Review status: criteria provided, single submitter. Criteria: ACMG Guidelines, 2015. Collection method: clinical testing. Allele origin: de novo. Affected: yes.

Autoinflammatory diseases unit, CHU de Montpellier
Classification: Likely pathogenic for Wiedemann-Steiner syndrome. Last evaluated: 2015-11-09. Review status: no assertion criteria provided. Collection method: clinical testing. Allele origin: unknown. Affected: yes. Not counted in ClinVar's aggregate classification.

Literature cited by the submitters: PubMed 22795537 (cited by Labcorp Genetics (formerly Invitae), Labcorp); PubMed 25810209 (cited by Labcorp Genetics (formerly Invitae), Labcorp); PubMed 29574747 (cited by Labcorp Genetics (formerly Invitae), Labcorp).

NM_001197104.2(KMT2A):c.478C>T (p.Arg160Ter)

Gene: KMT2A (lysine methyltransferase 2A; plus strand). Cytogenetic location: 11q23.3.
Variant type: single nucleotide variant.
Coding change: c.478C>T on transcript NM_001197104.2 (MANE Select); coding-DNA position 478, C replaced by T.
Protein change: p.Arg160Ter; replaces arginine 160 with a stop codon.
Molecular consequence: nonsense.
Genome position (GRCh38, 1-based): chr11:118,468,820, C>T. VCF-style: chr11-118468820-C-T. GRCh37 (hg19) VCF-style: chr11-118339535-C-T.
Other names: c.478C>T, p.Arg160Ter (NM_005933.4); short protein forms R160*.
Identifiers: ClinVar variation 504304 (VCV000504304.55), dbSNP rs1555034779, ClinGen allele CA382803689.
Genomic context (GRCh38, chr11:118,468,820, plus strand): 5'-TTTCCTTTGTTGTAGGATGAGCAATTCTTAGGTTTTGGCTCAGATGAAGAAGTCAGAGTG[C>T]GAAGTCCCACAAGGTCTCCTTCAGGTACGGCCAATTAAGTGCATGGTGCCTTTTAAGTTT-3'